The following is an entry in ClinVar:

NM_001048174.2(MUTYH):c.9G>C (p.Lys3Asn)

Gene: MUTYH (mutY DNA glycosylase; minus strand). Cytogenetic location: 1p34.1.
Variant type: single nucleotide variant.
Coding change: c.9G>C on transcript NM_001048174.2 (MANE Select); coding-DNA position 9, G replaced by C.
Protein change: p.Lys3Asn; replaces lysine 3 with asparagine.
Molecular consequence: missense variant. On other transcripts: 5 prime UTR variant (7), non-coding transcript variant (7).
Genome position (GRCh38, 1-based): chr1:45,334,497, C>G on the plus strand (G>C on the coding strand, the complement: MUTYH is on the minus strand). VCF-style: chr1-45334497-C-G. GRCh37 (hg19) VCF-style: chr1-45800169-C-G.
Other names: c.9G>C, p.Lys3Asn (NM_001048171.2, NM_001048172.2, NM_001048173.2 and 15 more transcripts); c.51G>C, p.Lys17Asn (NM_001128425.2, NM_001293190.2, NM_001407069.1 and 2 more transcripts); c.-204G>C (NM_001293192.2, NM_001293196.2, NM_001407091.1); c.-263G>C (NM_001350650.2); c.-199G>C (NM_001350651.2, NM_001407082.1); c.-148G>C (NM_001407075.1); c.27G>C, p.Lys9Asn (NM_001407087.1); short protein forms K17N, K9N, K3N.
Identifiers: ClinVar variation 4113711 (VCV004113711.1).

ClinVar aggregate classification (germline): Uncertain significance (1 of 4 stars; one submission).

Conditions:
Hereditary cancer-predisposing syndrome. Also called: Hereditary neoplastic syndrome; Neoplastic Syndromes, Hereditary; Tumor predisposition; Hereditary Cancer Syndrome. Identifiers: Orphanet 140162, MedGen C0027672, MeSH D009386, MONDO:0015356.

Submission:

Ambry Genetics
Classification: Uncertain significance for Hereditary cancer-predisposing syndrome. Last evaluated: 2025-08-27. Review status: criteria provided, single submitter. Criteria: Ambry Variant Classification Scheme 2023. Collection method: clinical testing. Allele origin: germline.
Comment: The p.K17N variant (also known as c.51G>C), located in coding exon 2 of the MUTYH gene, results from a G to C substitution at nucleotide position 51. The lysine at codon 17 is replaced by asparagine, an amino acid with similar properties. This amino acid position is conserved. In addition, this alteration is predicted to be tolerated by in silico analysis. Based on the available evidence, the clinical significance of this variant remains unclear.